The following is an entry in ClinVar:

ClinVar aggregate classification (germline): Likely benign. Review status: criteria provided, multiple submitters, no conflicts (2 of 4 stars). 2 submissions from 2 submitters: Likely benign (2). Last evaluated 2025-10-13.

Conditions:
Cardiovascular phenotype. Identifiers: MedGen CN230736.

Submissions (2):

Ambry Genetics
Classification: Likely benign for Cardiovascular phenotype. Last evaluated: 2025-10-13. Review status: criteria provided, single submitter. Criteria: Ambry Variant Classification Scheme 2023. Collection method: clinical testing. Allele origin: germline.

Women's Health and Genetics/Laboratory Corporation of America, LabCorp
Classification: Likely benign. Last evaluated: 2021-10-17. Review status: criteria provided, single submitter. Criteria: LabCorp Variant Classification Summary - May 2015. Collection method: clinical testing. Allele origin: germline.
Comment: Variant summary: PTPN11 c.1011G>C alters a non-conserved nucleotide resulting in a synonymous change. 4/4 computational tools predict an abolishment of a cryptic exonic splice donor site that is not expected to have a significant impact on normal splicing. However, these predictions have yet to be confirmed by functional studies. The variant allele was found at a frequency of 4e-06 in 251398 control chromosomes. The available data on variant occurrences in the general population are insufficient to allow any conclusion about variant significance. To our knowledge, no occurrence of c.1011G>C in individuals affected with Noonan Syndrome and no experimental evidence demonstrating its impact on protein function have been reported. No clinical diagnostic laboratories have submitted clinical-significance assessments for this variant to ClinVar after 2014. Based on the evidence outlined above, the variant was classified as likely benign.

NM_002834.5(PTPN11):c.1011G>C (p.Thr337=)

Gene: PTPN11 (protein tyrosine phosphatase non-receptor type 11; plus strand). Cytogenetic location: 12q24.13.
Variant type: single nucleotide variant.
Coding change: c.1011G>C on transcript NM_002834.5 (MANE Select); coding-DNA position 1011, G replaced by C.
Protein change: p.Thr337=; no amino-acid change (threonine 337 retained).
Molecular consequence: synonymous variant.
Genome position (GRCh38, 1-based): chr12:112,477,934, G>C. VCF-style: chr12-112477934-G-C. GRCh37 (hg19) VCF-style: chr12-112915738-G-C.
Other names: c.1011G>C, p.Thr337= (NM_001330437.2, NM_080601.3); c.1008G>C, p.Thr336= (NM_001374625.1); c.1011G>C (NM_002834.3).
Identifiers: ClinVar variation 1321383 (VCV001321383.2), dbSNP rs371951288, ClinGen allele CA6798700.